The following is an entry in ClinVar:

ClinVar aggregate classification (germline): Conflicting classifications of pathogenicity. Review status: criteria provided, conflicting classifications (1 of 4 stars). 11 submissions from 11 submitters: Uncertain significance (2); Likely benign (5). 4 of the submissions do not count toward it. Last evaluated 2026-04-14.

Conditions:
TTN-related disorder. Also called: TTN-related condition; TTN-related disease; TTN-related disorders.
Cardiovascular phenotype. Identifiers: MedGen CN230736.
Dilated cardiomyopathy 1G (CMD1G). Identifiers: Orphanet 154, MedGen C1858763, MONDO:0011400, OMIM 604145.
Autosomal recessive limb-girdle muscular dystrophy type 2J (LGMDR10). Also called: Limb-girdle muscular dystrophy, type 2J; MUSCULAR DYSTROPHY, LIMB-GIRDLE, AUTOSOMAL RECESSIVE 10. Identifiers: Orphanet 140922, MedGen C1837342, MONDO:0012127, OMIM 608807.

Allele frequency attached by ClinVar (database versions not stated): TOPMed below 0.00001; gnomAD exomes 0.00030; ExAC 0.00036; 1000 Genomes Project 30x 0.00094; 1000 Genomes Project 0.00100.
gnomAD v4.1: 181 of 1,613,296 alleles (0.011%); highest among the groups gnomAD compares: South Asian, 0.19%; 1 homozygote.

Submissions (11):

PreventionGenetics, part of Exact Sciences
Classification: Likely benign for TTN-related condition. Last evaluated: 2026-04-14. Review status: criteria provided, single submitter. Criteria: ACMG Guidelines, 2015. Collection method: clinical testing. Allele origin: germline.
Comment: This variant is classified as likely benign based on ACMG/AMP sequence variant interpretation guidelines (Richards et al. 2015 PMID: 25741868, with internal and published modifications).

Labcorp Genetics (formerly Invitae), Labcorp
Classification: Likely benign for Dilated cardiomyopathy 1G; Autosomal recessive limb-girdle muscular dystrophy type 2J. Last evaluated: 2025-12-29. Review status: criteria provided, single submitter. Criteria: Invitae Variant Classification Sherloc (09022015). Collection method: clinical testing. Allele origin: germline.

Molecular Diagnostic Laboratory for Inherited Cardiovascular Disease, Montreal Heart Institute
Classification: Likely benign. Last evaluated: 2025-04-09. Review status: criteria provided, single submitter. Criteria: ACMG Guidelines, 2015. Collection method: clinical testing. Allele origin: germline. Affected: no.

Revvity Omics, Revvity
Classification: Uncertain significance. Last evaluated: 2023-06-09. Review status: criteria provided, single submitter. Criteria: ACMG Guidelines, 2015. Collection method: clinical testing. Allele origin: germline.

GeneDx
Classification: Likely benign. Last evaluated: 2019-12-12. Review status: criteria provided, single submitter. Criteria: GeneDx Variant Classification Process June 2021. Collection method: clinical testing. Allele origin: germline. Affected: yes.

Ambry Genetics
Classification: Likely benign for Cardiovascular phenotype. Last evaluated: 2019-05-10. Review status: criteria provided, single submitter. Criteria: Ambry Variant Classification Scheme 2023. Collection method: clinical testing. Allele origin: germline.

Eurofins Ntd Llc (ga)
Classification: Uncertain significance. Last evaluated: 2015-04-28. Review status: criteria provided, single submitter. Criteria: EGL Classification Definitions 2015. Collection method: clinical testing. Allele origin: germline. Observed: 2 variant alleles, 2 heterozygotes.

Clinical Genetics DNA and cytogenetics Diagnostics Lab, Erasmus MC, Erasmus Medical Center
Classification: Likely benign. Review status: no assertion criteria provided. Collection method: clinical testing. Allele origin: germline. Affected: yes. Study: VKGL Data-share Consensus. Not counted in ClinVar's aggregate classification.

Clinical Genetics, Academic Medical Center
Classification: Benign. Review status: no assertion criteria provided. Collection method: clinical testing. Allele origin: germline. Affected: yes. Study: VKGL Data-share Consensus. Not counted in ClinVar's aggregate classification.

Diagnostic Laboratory, Department of Genetics, University Medical Center Groningen
Classification: Likely benign. Review status: no assertion criteria provided. Collection method: clinical testing. Allele origin: germline. Affected: yes. Study: VKGL Data-share Consensus. Not counted in ClinVar's aggregate classification.

Genome Diagnostics Laboratory, University Medical Center Utrecht
Classification: Likely benign. Review status: no assertion criteria provided. Collection method: clinical testing. Allele origin: germline. Affected: yes. Study: VKGL Data-share Consensus. Not counted in ClinVar's aggregate classification.

NM_001267550.2(TTN):c.70097T>C (p.Val23366Ala)

Genes: TTN (titin; minus strand), TTN-AS1 (TTN antisense RNA 1; plus strand), LOC126806422 (BRD4-independent group 4 enhancer GRCh37_chr2:179440205-179441404; plus strand). Cytogenetic location: 2q31.2.
Variant type: single nucleotide variant.
Coding change: c.70097T>C on transcript NM_001267550.2 (MANE Select); coding-DNA position 70097, T replaced by C.
Protein change: p.Val23366Ala; replaces valine 23366 with alanine.
Molecular consequence: missense variant.
Genome position (GRCh38, 1-based): chr2:178,576,035, A>G on the plus strand (T>C on the coding strand, the complement: TTN is on the minus strand). VCF-style: chr2-178576035-A-G. GRCh37 (hg19) VCF-style: chr2-179440762-A-G.
Other names: p.V21725A:GTG>GCG; c.65174T>C, p.Val21725Ala (NM_001256850.1); c.42902T>C, p.Val14301Ala (NM_003319.4); c.62393T>C, p.Val20798Ala (NM_133378.4); c.43277T>C, p.Val14426Ala (NM_133432.3); c.43478T>C, p.Val14493Ala (NM_133437.4); short protein forms V23366A, V21725A, V20798A, V14301A, V14426A, V14493A.
Identifiers: ClinVar variation 196082 (VCV000196082.30), dbSNP rs372782502, ClinGen allele CA302906.